The following is an entry in ClinVar:

NM_000093.5(COL5A1):c.*948C>G

Genes: COL5A1 (collagen type V alpha 1 chain; plus strand), LOC101448202 (uncharacterized LOC101448202; minus strand). Cytogenetic location: 9q34.3.
Variant type: single nucleotide variant.
Coding change: c.*948C>G on transcript NM_000093.5 (MANE Select); 948 bases downstream of the stop codon, C replaced by G.
Molecular consequence: 3 prime UTR variant.
Genome position (GRCh38, 1-based): chr9:134,843,251, C>G. VCF-style: chr9-134843251-C-G. GRCh37 (hg19) VCF-style: chr9-137735097-C-G.
Other names: c.*948C>G (NM_001278074.1).
Identifiers: ClinVar variation 365766 (VCV000365766.7), dbSNP rs142032213, ClinGen allele CA10633185.

ClinVar aggregate classification (germline): Benign (1 of 4 stars; one submission).

Conditions:
Ehlers-Danlos syndrome, classic type (cEDS). Identifiers: Orphanet 287, MedGen C4225429, MONDO:0007522.

Allele frequency attached by ClinVar (database versions not stated): TOPMed 0.00090; 1000 Genomes Project 30x 0.00219; 1000 Genomes Project 0.00260.

Submission:

Illumina Laboratory Services, Illumina
Classification: Benign for Ehlers-Danlos syndrome, classic type, 1. Last evaluated: 2018-01-13. Review status: criteria provided, single submitter. Criteria: ICSL Variant Classification Criteria 13 December 2019. Collection method: clinical testing. Allele origin: germline.
Comment: This variant was observed in the ICSL laboratory as part of a predisposition screen in an ostensibly healthy population. It had not been previously curated by ICSL or reported in the Human Gene Mutation Database (HGMD: prior to June 1st, 2018), and was therefore a candidate for classification through an automated scoring system. Utilizing variant allele frequency, disease prevalence and penetrance estimates, and inheritance mode, an automated score was calculated to assess if this variant is too frequent to cause the disease. Based on the score and internal cut-off values, a variant classified as benign is not then subjected to further curation. The score for this variant resulted in a classification of benign for this disease.